The following is an entry in ClinVar:

ClinVar aggregate classification (germline): Likely benign. Review status: criteria provided, multiple submitters, no conflicts (2 of 4 stars). 3 submissions from 3 submitters: Likely benign (2). 1 of the submissions does not count toward it. Last evaluated 2025-12-29.

Conditions:
INPPL1-related disorder. Also called: INPPL1-related condition.

Allele frequency attached by ClinVar (database versions not stated): ExAC 0.00007; gnomAD 0.00017 and 0.00021; 1000 Genomes Project 0.00040; 1000 Genomes Project 30x 0.00047.
gnomAD v4.1: 93 of 1,613,982 alleles (0.0058%); highest among the groups gnomAD compares: African/African-American, 0.068%; no homozygotes.

Submissions (3):

Labcorp Genetics (formerly Invitae), Labcorp
Classification: Likely benign. Last evaluated: 2025-12-29. Review status: criteria provided, single submitter. Criteria: Invitae Variant Classification Sherloc (09022015). Collection method: clinical testing. Allele origin: germline.

Breakthrough Genomics
Classification: Likely benign. Review status: criteria provided, single submitter. Criteria: ACMG Guidelines, 2015. Collection method: not provided. Allele origin: germline. Inheritance: Autosomal recessive inheritance. Affected: yes.

PreventionGenetics, part of Exact Sciences
Classification: Likely benign for INPPL1-related condition. Last evaluated: 2019-06-27. Review status: no assertion criteria provided. Collection method: clinical testing. Allele origin: germline. Not counted in ClinVar's aggregate classification.
Comment: This variant is classified as likely benign based on ACMG/AMP sequence variant interpretation guidelines (Richards et al. 2015 PMID: 25741868, with internal and published modifications).

NM_001567.4(INPPL1):c.754-4C>G

Gene: INPPL1 (inositol polyphosphate phosphatase like 1; plus strand). Cytogenetic location: 11q13.4.
Variant type: single nucleotide variant.
Coding change: c.754-4C>G on transcript NM_001567.4 (MANE Select); 4 bases into the intron before coding-DNA position 754, C replaced by G.
Molecular consequence: intron variant.
Genome position (GRCh38, 1-based): chr11:72,229,659, C>G. VCF-style: chr11-72229659-C-G. GRCh37 (hg19) VCF-style: chr11-71940703-C-G.
Other names: c.754-4C>G (NM_001567.3).
Identifiers: ClinVar variation 1142428 (VCV001142428.13), dbSNP rs201713633, ClinGen allele CA6169787.